The following is an entry in ClinVar:

ClinVar aggregate classification (germline): Likely benign. Review status: criteria provided, multiple submitters, no conflicts (2 of 4 stars). 2 submissions from 2 submitters: Likely benign (2). Last evaluated 2022-11-22.

Conditions:
Charcot-Marie-Tooth disease type 4. Also called: Charcot-Marie-Tooth disease, type IV; Charcot-Marie-Tooth, Type 4. Identifiers: Orphanet 64749, MedGen C4082197, MONDO:0018995.

Allele frequency attached by ClinVar (database versions not stated): gnomAD exomes 0.00001 and 0.00002; TOPMed 0.00002; ExAC 0.00001.
gnomAD v4.1: 6 of 1,613,920 alleles (0.00037%); highest among the groups gnomAD compares: Admixed American, 0.01%; no homozygotes.

Submissions (2):

Labcorp Genetics (formerly Invitae), Labcorp
Classification: Likely benign for Charcot-Marie-Tooth disease type 4. Last evaluated: 2022-11-22. Review status: criteria provided, single submitter. Criteria: Invitae Variant Classification Sherloc (09022015). Collection method: clinical testing. Allele origin: germline.

GeneDx
Classification: Likely benign. Last evaluated: 2016-09-01. Review status: criteria provided, single submitter. Criteria: GeneDx Variant Classification (06012015). Collection method: clinical testing. Allele origin: germline. Affected: yes.
Comment: This variant is considered likely benign or benign based on one or more of the following criteria: it is a conservative change, it occurs at a poorly conserved position in the protein, it is predicted to be benign by multiple in silico algorithms, and/or has population frequency not consistent with disease.

NM_001370298.3(FGD4):c.2172+8A>T

Gene: FGD4 (FYVE, RhoGEF and PH domain containing 4; plus strand). Cytogenetic location: 12p11.21.
Variant type: single nucleotide variant.
Coding change: c.2172+8A>T on transcript NM_001370298.3 (MANE Select); 8 bases into the intron after coding-DNA position 2172, A replaced by T.
Molecular consequence: intron variant.
Genome position (GRCh38, 1-based): chr12:32,625,787, A>T. VCF-style: chr12-32625787-A-T. GRCh37 (hg19) VCF-style: chr12-32778721-A-T.
Other names: c.2172+8A>T (NM_001384126.1); c.2016+8A>T (NM_001304481.2); c.1482+8A>T (NM_001330374.2, NM_001330373.2, NM_001384130.1); c.1761+8A>T (NM_139241.3, NM_001384127.1, NM_001385118.1 and 1 more transcripts); c.729+8A>T (NM_001304484.2); c.1209+8A>T (NM_001370297.1); c.1017+8A>T (NM_001304483.2).
Identifiers: ClinVar variation 388941 (VCV000388941.8), dbSNP rs761674021, ClinGen allele CA6507002.